The following is an entry in ClinVar:

ClinVar aggregate classification (germline): Pathogenic (1 of 4 stars; one submission).

Allele frequency attached by ClinVar (database versions not stated): gnomAD exomes below 0.00001.

Submission:

Labcorp Genetics (formerly Invitae), Labcorp
Classification: Pathogenic. Last evaluated: 2021-03-29. Review status: criteria provided, single submitter. Criteria: Invitae Variant Classification Sherloc (09022015). Collection method: clinical testing. Allele origin: germline.
Comment: For these reasons, this variant has been classified as Pathogenic. This variant has not been reported in the literature in individuals with MYO5B-related conditions. This variant is not present in population databases (ExAC no frequency). This sequence change creates a premature translational stop signal (p.Gln1184Argfs*4) in the MYO5B gene. It is expected to result in an absent or disrupted protein product. Loss-of-function variants in MYO5B are known to be pathogenic (PMID: 18724368, 20186687).

Literature cited by the submitters: PubMed 18724368; PubMed 20186687.

NM_001080467.3(MYO5B):c.3550del (p.Gln1184fs)

Gene: MYO5B (myosin VB; minus strand). Cytogenetic location: 18q21.1.
Variant type: Deletion.
Coding change: c.3550del on transcript NM_001080467.3 (MANE Select); coding-DNA position 3550, one base deleted (C; older notation c.3550delC).
Protein change: p.Gln1184fs; shifts the reading frame from glutamine 1184.
Molecular consequence: frameshift variant.
Genome position (GRCh38, 1-based): chr18:49,872,220, G deleted on the plus strand (C on the coding strand, the reverse complement: MYO5B is on the minus strand). VCF-style (leftmost placement, unchanged base first): chr18-49872219-TG-T. GRCh37 (hg19) VCF-style: chr18-47398589-TG-T.
Other names: short protein forms Q1184fs.
Identifiers: ClinVar variation 1412155 (VCV001412155.6), dbSNP rs2144094044, ClinGen allele CA2573155371.
Genomic context (GRCh38, chr18:49,872,219, plus strand): 5'-AATCTTACCTTCAGACTATTGTAGGCCAGATCTGCATTCGGGTCCAAATCTATGTCAGTC[TG>T]TGGTGGTTCCGCCTGCATGGATAGAGACACAAAGATAAGTGCAGACCTCGAGCAAGATAT-3'